The following is an entry in ClinVar:

NM_012448.4(STAT5B):c.1248C>T (p.Phe416=)

Gene: STAT5B (signal transducer and activator of transcription 5B; minus strand). Cytogenetic location: 17q21.2.
Variant type: single nucleotide variant.
Coding change: c.1248C>T on transcript NM_012448.4 (MANE Select); coding-DNA position 1248, C replaced by T.
Protein change: p.Phe416=; no amino-acid change (phenylalanine 416 retained).
Molecular consequence: synonymous variant.
Genome position (GRCh38, 1-based): chr17:42,217,386, G>A on the plus strand (C>T on the coding strand, the complement: STAT5B is on the minus strand). VCF-style: chr17-42217386-G-A. GRCh37 (hg19) VCF-style: chr17-40369404-G-A.
Identifiers: ClinVar variation 2810290 (VCV002810290.3), dbSNP rs2508750645, ClinGen allele CA500059370.
Genomic context (GRCh38, chr17:42,217,386, plus strand): 5'-TCCCCTCAAAGACCAGGGAAAAATTCATTCTTCCTCTTCTTCCACCCTCACCATATTCCT[G>A]AAGTGGGCACTAAGGGTGCCTGTGGCTTGGTGGTACTCCATGACGCAGCAGTTGTTCAAG-3'
Protein context (NP_036580.2, residues 406-426): HQATGTLSAH[Phe416=]RNMSLKRIKR

ClinVar aggregate classification (germline): Uncertain significance (1 of 4 stars; one submission).

Conditions:
Growth hormone insensitivity with immune dysregulation 1, autosomal recessive. Also called: Laron syndrome with immunodeficiency; GROWTH HORMONE INSENSITIVITY SYNDROME WITH IMMUNE DYSREGULATION 1, AUTOSOMAL RECESSIVE; GROWTH HORMONE INSENSITIVITY DUE TO POSTRECEPTOR DEFECT; LARON SYNDROME DUE TO POSTRECEPTOR DEFECT. Identifiers: Orphanet 220465, MedGen C5435698, MONDO:0100211, OMIM 245590.

Submission:

Labcorp Genetics (formerly Invitae), Labcorp
Classification: Uncertain significance for Growth hormone insensitivity with immune dysregulation 1, autosomal recessive. Last evaluated: 2022-10-27. Review status: criteria provided, single submitter. Criteria: Invitae Variant Classification Sherloc (09022015). Collection method: clinical testing. Allele origin: germline.
Comment: This sequence change affects codon 416 of the STAT5B mRNA. It is a 'silent' change, meaning that it does not change the encoded amino acid sequence of the STAT5B protein. This variant is not present in population databases (gnomAD no frequency). In summary, the available evidence is currently insufficient to determine the role of this variant in disease. Therefore, it has been classified as a Variant of Uncertain Significance. Algorithms developed to predict the effect of sequence changes on RNA splicing suggest that this variant may disrupt the consensus splice site. This variant has not been reported in the literature in individuals affected with STAT5B-related conditions.